The following is an entry in ClinVar:

ClinVar aggregate classification (germline): Uncertain significance (1 of 4 stars; one submission).

Conditions:
Christianson syndrome (MRXSCH). Also called: X-linked mental retardation, syndromic, Christianson type; SLC9A6-Related Syndromic Mental Retardation; INTELLECTUAL DEVELOPMENTAL DISORDER, X-LINKED, SYNDROMIC, CHRISTIANSON TYPE. Identifiers: Orphanet 85278, MedGen C2678194, MONDO:0010278, OMIM 300243.

Submission:

Labcorp Genetics (formerly Invitae), Labcorp
Classification: Uncertain significance for Christianson syndrome. Last evaluated: 2022-12-08. Review status: criteria provided, single submitter. Criteria: Invitae Variant Classification Sherloc (09022015). Collection method: clinical testing. Allele origin: germline.
Comment: This sequence change replaces isoleucine, which is neutral and non-polar, with methionine, which is neutral and non-polar, at codon 270 of the SLC9A6 protein (p.Ile270Met). This variant is not present in population databases (gnomAD no frequency). This variant has not been reported in the literature in individuals affected with SLC9A6-related conditions. Advanced modeling of protein sequence and biophysical properties (such as structural, functional, and spatial information, amino acid conservation, physicochemical variation, residue mobility, and thermodynamic stability) has been performed at Invitae for this missense variant, however the output from this modeling did not meet the statistical confidence thresholds required to predict the impact of this variant on SLC9A6 protein function. In summary, the available evidence is currently insufficient to determine the role of this variant in disease. Therefore, it has been classified as a Variant of Uncertain Significance.

NM_001379110.1(SLC9A6):c.750A>G (p.Ile250Met)

Gene: SLC9A6 (solute carrier family 9 member A6; plus strand). Cytogenetic location: Xq26.3.
Variant type: single nucleotide variant.
Coding change: c.750A>G on transcript NM_001379110.1 (MANE Select); coding-DNA position 750, A replaced by G.
Protein change: p.Ile250Met; replaces isoleucine 250 with methionine.
Molecular consequence: missense variant.
Genome position (GRCh38, 1-based): chrX:136,010,448, A>G. VCF-style: chrX-136010448-A-G. GRCh37 (hg19) VCF-style: chrX-135092607-A-G.
Other names: c.906A>G, p.Ile302Met (NM_001042537.2); c.750A>G, p.Ile250Met (NM_001177651.2, NM_001400909.1, NM_001400910.1 and 2 more transcripts); c.654A>G, p.Ile218Met (NM_001330652.2, NM_001400913.1); c.810A>G, p.Ile270Met (NM_006359.3); short protein forms I218M, I250M, I302M, I270M.
Identifiers: ClinVar variation 2819573 (VCV002819573.3), dbSNP rs2521289602, ClinGen allele CA414751095.